The following is an entry in ClinVar:

ClinVar aggregate classification (germline): Uncertain significance. Review status: criteria provided, multiple submitters, no conflicts (2 of 4 stars). 2 submissions from 2 submitters: Uncertain significance (2). Last evaluated 2024-04-25.

Conditions:
Sucrase-isomaltase deficiency (CSID). Also called: Deficiency of isomaltase; SI DEFICIENCY; Congenital sucrose isomaltose malabsorption; Sucrose isomaltose enzyme deficiency. Identifiers: Orphanet 35122, MedGen C1283620, MONDO:0009114, OMIM 222900.

Allele frequency attached by ClinVar (database versions not stated): TOPMed below 0.00001.

Submissions (2):

Fulgent Genetics
Classification: Uncertain significance for Sucrase-isomaltase deficiency. Last evaluated: 2024-04-25. Review status: criteria provided, single submitter. Criteria: ACMG Guidelines, 2015. Collection method: clinical testing. Allele origin: germline.

Labcorp Genetics (formerly Invitae), Labcorp
Classification: Uncertain significance. Last evaluated: 2023-03-30. Review status: criteria provided, single submitter. Criteria: Invitae Variant Classification Sherloc (09022015). Collection method: clinical testing. Allele origin: germline.
Comment: This variant has not been reported in the literature in individuals affected with SI-related conditions. Advanced modeling of protein sequence and biophysical properties (such as structural, functional, and spatial information, amino acid conservation, physicochemical variation, residue mobility, and thermodynamic stability) has been performed at Invitae for this missense variant, however the output from this modeling did not meet the statistical confidence thresholds required to predict the impact of this variant on SI protein function. In summary, the available evidence is currently insufficient to determine the role of this variant in disease. Therefore, it has been classified as a Variant of Uncertain Significance. This sequence change replaces tyrosine, which is neutral and polar, with cysteine, which is neutral and slightly polar, at codon 540 of the SI protein (p.Tyr540Cys). This variant is not present in population databases (gnomAD no frequency).

NM_001041.4(SI):c.1619A>G (p.Tyr540Cys)

Gene: SI (sucrase-isomaltase; minus strand). Cytogenetic location: 3q26.1.
Variant type: single nucleotide variant.
Coding change: c.1619A>G on transcript NM_001041.4 (MANE Select); coding-DNA position 1619, A replaced by G.
Protein change: p.Tyr540Cys; replaces tyrosine 540 with cysteine.
Molecular consequence: missense variant.
Genome position (GRCh38, 1-based): chr3:165,049,223, T>C on the plus strand (A>G on the coding strand, the complement: SI is on the minus strand). VCF-style: chr3-165049223-T-C. GRCh37 (hg19) VCF-style: chr3-164767011-T-C.
Other names: short protein forms Y540C.
Identifiers: ClinVar variation 2870063 (VCV002870063.4), dbSNP rs1284511719, ClinGen allele CA355053057.
Genomic context (GRCh38, chr3:165,049,223, plus strand): 5'-CTATGAACATCATACTGTTTACCCCAGTTCTGCACAGCATCCATGCAAATTGTTTTGGAA[T>C]ACATGAGTTTGTCAAGAATATCTTTGAGAAAATACATAAGAAACATTTCTTATATTTTTC-3'
Protein context (NP_001032.2, residues 530-550): FTPDILDKLM[Tyr540Cys]SKTICMDAVQ